The following is an entry in ClinVar:

ClinVar aggregate classification (germline): Pathogenic (0 of 4 stars; one submission).

Conditions:
PHOX2B-related disorder. Also called: PHOX2B-related condition.

Submission:

PreventionGenetics, part of Exact Sciences
Classification: Pathogenic for PHOX2B-related condition. Last evaluated: 2024-07-04. Review status: no assertion criteria provided. Collection method: clinical testing. Allele origin: germline.
Comment: The PHOX2B c.390_398delinsTCTTCAG variant is predicted to result in a frameshift and premature protein termination (p.Glu130Aspfs*47). To our knowledge, this variant has not been reported in the literature or in a large population database, indicating this variant is rare. Frameshift variants in PHOX2B are expected to be pathogenic. This variant is interpreted as pathogenic.

NM_003924.4(PHOX2B):c.390_398delinsTCTTCAG (p.Glu130fs)

Gene: PHOX2B (paired like homeobox 2B; minus strand). Cytogenetic location: 4p13.
Variant type: Indel.
Coding change: c.390_398delinsTCTTCAG on transcript NM_003924.4 (MANE Select); coding-DNA positions 390 to 398, GCTGGCCCT replaced by TCTTCAG.
Protein change: p.Glu130fs; shifts the reading frame from glutamic acid 130.
Molecular consequence: frameshift variant.
Genome position (GRCh38, 1-based): chr4:41,747,380-41,747,388, AGGGCCAGC replaced by CTGAAGA on the plus strand (GCTGGCCCT replaced by TCTTCAG on the coding strand, the reverse complement: PHOX2B is on the minus strand). VCF-style: chr4-41747380-AGGGCCAGC-CTGAAGA. GRCh37 (hg19) VCF-style: chr4-41749397-AGGGCCAGC-CTGAAGA.
Other names: c.390_398delGCTGGCCCTinsTCTTCAG, p.Glu130Aspfs (NM_003924.3); short protein forms E130fs.
Identifiers: ClinVar variation 3347641 (VCV003347641.1).